The following is an entry in ClinVar:

NM_021930.6(RINT1):c.1644A>G (p.Thr548=)

Gene: RINT1 (RAD50 interactor 1; plus strand). Cytogenetic location: 7q22.3.
Variant type: single nucleotide variant.
Coding change: c.1644A>G on transcript NM_021930.6 (MANE Select); coding-DNA position 1644, A replaced by G.
Protein change: p.Thr548=; no amino-acid change (threonine 548 retained).
Molecular consequence: synonymous variant.
Genome position (GRCh38, 1-based): chr7:105,555,200, A>G. VCF-style: chr7-105555200-A-G. GRCh37 (hg19) VCF-style: chr7-105195647-A-G.
Other names: c.1410A>G, p.Thr470= (NM_001346599.2); c.621A>G, p.Thr207= (NM_001346600.2, NM_001346603.2); c.720A>G, p.Thr240= (NM_001346601.2).
Identifiers: ClinVar variation 1777101 (VCV001777101.2), dbSNP rs375009254, ClinGen allele CA4426721.

ClinVar aggregate classification (germline): Uncertain significance (1 of 4 stars; one submission).

Allele frequency attached by ClinVar (database versions not stated): gnomAD exomes below 0.00001; ExAC 0.00002; gnomAD 0.00005; TOPMed 0.00006; ESP Exome Variant Server 0.00008.
gnomAD v4.1: 15 of 1,613,820 alleles (0.00093%); highest among the groups gnomAD compares: African/African-American, 0.019%; no homozygotes.

Submission:

Ambry Genetics
Classification: Uncertain significance. Last evaluated: 2022-05-24. Review status: criteria provided, single submitter. Criteria: Ambry Variant Classification Scheme 2023. Collection method: clinical testing. Allele origin: germline.
Comment: The c.1644A>G variant (also known as p.T548T), located in coding exon 11 of the RINT1 gene, results from an A to G substitution at nucleotide position 1644. This nucleotide substitution does not change the threonine at codon 548. This nucleotide position is not well conserved in available vertebrate species. In silico splice site analysis for this alteration is inconclusive. The evidence for this gene-disease relationship is limited; therefore, the clinical significance of this alteration is unclear.